The following is an entry in ClinVar:

ClinVar aggregate classification (germline): Conflicting classifications of pathogenicity. Review status: criteria provided, conflicting classifications (1 of 4 stars). 2 submissions from 2 submitters: Uncertain significance (1); Likely benign (1). Last evaluated 2023-03-23.

Conditions:
Hereditary breast ovarian cancer syndrome. Also called: Hereditary breast and ovarian cancer syndrome (HBOC); BRCA1- and BRCA2-Associated Hereditary Breast and Ovarian Cancer; Hereditary breast and ovarian cancer syndrome; Breast and ovarian cancer; Hereditary breast and ovarian cancer; Hereditary breast and/or ovarian cancer syndrome. Identifiers: Orphanet 145, MedGen C0677776, MeSH D061325, MONDO:0003582. Disease mechanism: loss of function.
Hereditary cancer-predisposing syndrome. Also called: Hereditary neoplastic syndrome; Neoplastic Syndromes, Hereditary; Tumor predisposition; Hereditary Cancer Syndrome. Identifiers: Orphanet 140162, MedGen C0027672, MeSH D009386, MONDO:0015356.

Submissions (2):

University of Washington Department of Laboratory Medicine, University of Washington
Classification: Likely benign for Hereditary cancer-predisposing syndrome. Last evaluated: 2023-03-23. Review status: criteria provided, single submitter. Criteria: Dines et al. (Genet Med. 2020). Collection method: curation. Allele origin: germline.
Comment: Missense variant in a coldspot region where missense variants are very unlikely to be pathogenic (PMID:31911673).

BRCA2 exon 11 coldspot. Reclassification based on statistical prior probability.

Labcorp Genetics (formerly Invitae), Labcorp
Classification: Uncertain significance for Hereditary breast ovarian cancer syndrome. Last evaluated: 2017-12-17. Review status: criteria provided, single submitter. Criteria: Invitae Variant Classification Sherloc (09022015). Collection method: clinical testing. Allele origin: germline.
Comment: This variant has not been reported in the literature in individuals with BRCA2-related disease. This variant is not present in population databases (ExAC no frequency). This sequence change replaces threonine with proline at codon 1388 of the BRCA2 protein (p.Thr1388Pro). The threonine residue is moderately conserved and there is a small physicochemical difference between threonine and proline. Algorithms developed to predict the effect of missense changes on protein structure and function do not agree on the potential impact of this missense change (SIFT: "Tolerated"; PolyPhen-2: "Probably Damaging"; Align-GVGD: "Class C0"). In summary, the available evidence is currently insufficient to determine the role of this variant in disease. Therefore, it has been classified as a Variant of Uncertain Significance.

NM_000059.4(BRCA2):c.4162A>C (p.Thr1388Pro)

Gene: BRCA2 (BRCA2 DNA repair associated; plus strand). Cytogenetic location: 13q13.1.
Variant type: single nucleotide variant.
Coding change: c.4162A>C on transcript NM_000059.4 (MANE Select); coding-DNA position 4162, A replaced by C.
Protein change: p.Thr1388Pro; replaces threonine 1388 with proline.
Molecular consequence: missense variant.
Genome position (GRCh38, 1-based): chr13:32,338,517, A>C. VCF-style: chr13-32338517-A-C. GRCh37 (hg19) VCF-style: chr13-32912654-A-C.
Other names: short protein forms T1388P.
Identifiers: ClinVar variation 531406 (VCV000531406.10), dbSNP rs1555283603, ClinGen allele CA387780044.